The following is an entry in ClinVar:

NM_000095.3(COMP):c.191A>G (p.Asn64Ser)

Gene: COMP (cartilage oligomeric matrix protein; minus strand). Cytogenetic location: 19p13.11.
Variant type: single nucleotide variant.
Coding change: c.191A>G on transcript NM_000095.3 (MANE Select); coding-DNA position 191, A replaced by G.
Protein change: p.Asn64Ser; replaces asparagine 64 with serine.
Molecular consequence: missense variant.
Genome position (GRCh38, 1-based): chr19:18,790,588, T>C on the plus strand (A>G on the coding strand, the complement: COMP is on the minus strand). VCF-style: chr19-18790588-T-C. GRCh37 (hg19) VCF-style: chr19-18901397-T-C.
Other names: short protein forms N64S.
Identifiers: ClinVar variation 4991314 (VCV004991314.1).

ClinVar aggregate classification (germline): Uncertain significance (1 of 4 stars; one submission).

Conditions:
COMP-related disorder. Also called: COMP-related condition; COMP-related disorders.

Submission:

PreventionGenetics, part of Exact Sciences
Classification: Uncertain significance for COMP-related condition. Last evaluated: 2026-04-01. Review status: criteria provided, single submitter. Criteria: ACMG Guidelines, 2015. Collection method: clinical testing. Allele origin: germline.
Comment: The COMP c.191A>G variant is predicted to result in the amino acid substitution p.Asn64Ser. To our knowledge, this variant has not been reported in the literature or in a large population database (gnomAD), indicating this variant is rare. At this time, the clinical significance of this variant is uncertain due to the absence of conclusive functional and genetic evidence.